The following is an entry in ClinVar:

NM_002693.3(POLG):c.3505G>A (p.Gly1169Ser)

Gene: POLG (DNA polymerase gamma, catalytic subunit; minus strand). Cytogenetic location: 15q26.1.
Variant type: single nucleotide variant.
Coding change: c.3505G>A on transcript NM_002693.3 (MANE Select); coding-DNA position 3505, G replaced by A.
Protein change: p.Gly1169Ser; replaces glycine 1169 with serine.
Molecular consequence: missense variant.
Genome position (GRCh38, 1-based): chr15:89,317,514, C>T on the plus strand (G>A on the coding strand, the complement: POLG is on the minus strand). VCF-style: chr15-89317514-C-T. GRCh37 (hg19) VCF-style: chr15-89860745-C-T.
Other names: p.G1169S:GGT>AGT; p.Gly1169Ser; c.3505G>A, p.Gly1169Ser (NM_001126131.2); short protein forms G1169S.
Identifiers: ClinVar variation 206568 (VCV000206568.56), dbSNP rs753864625, ClinGen allele CA316780.

ClinVar aggregate classification (germline): Uncertain significance. Review status: criteria provided, multiple submitters, no conflicts (2 of 4 stars). 9 submissions from 9 submitters: Uncertain significance (8). 1 of the submissions does not count toward it. Last evaluated 2025-11-25.

Conditions:
POLG-related disorder. Also called: POLG-Related Spectrum Disorders; POLG-related condition; POLG-Related Disorders. Identifiers: MedGen C4763519.
Progressive external ophthalmoplegia with mitochondrial DNA deletions, autosomal dominant 1 (PEOA1). Also called: PROGRESSIVE EXTERNAL OPHTHALMOPLEGIA, AUTOSOMAL DOMINANT 1; Autosomal Dominant Progressive External Ophthalmoplegia (adPEO). Identifiers: MedGen C1834846, MONDO:0024528, OMIM 157640.
Progressive external ophthalmoplegia with mitochondrial DNA deletions, autosomal recessive 1 (PEOB1). Also called: Progressive external ophthalmoplegia, autosomal recessive 1; Autosomal Recessive Progressive External Ophthalmoplegia (arPEO). Identifiers: Orphanet 254886, MedGen C4225153, MONDO:0009783, OMIM 258450.
Sensory ataxic neuropathy, dysarthria, and ophthalmoparesis (SANDO). Also called: Sensory ataxic neuropathy-dysarthria-ophthalmoparesis syndrome; Ataxia Neuropathy Spectrum (ANS); SENSORY ATAXIC NEUROPATHY WITH MITOCHONDRIAL DNA DELETIONS, AUTOSOMAL RECESSIVE; Epilepsy, progressive myoclonic, type 5. Identifiers: Orphanet 70595, MedGen C1843851, MONDO:0011835, OMIM 607459.
Progressive sclerosing poliodystrophy (MTDPS4A). Also called: Mitochondrial DNA depletion syndrome 4A (Alpers type); Mitochondrial DNA Depletion Syndrome 4A; ALPERS PROGRESSIVE INFANTILE POLIODYSTROPHY; Alpers-Huttenlocher Syndrome; Alpers Syndrome; ALPERS DIFFUSE DEGENERATION OF CEREBRAL GRAY MATTER WITH HEPATIC CIRRHOSIS. Identifiers: Orphanet 726, MedGen C0205710, MONDO:0008758, OMIM 203700.
Mitochondrial DNA depletion syndrome 4b. Also called: Mitochondrial Neurogastrointestinal Encephalopathy Disease, POLG-Related; MNGIE, POLG-RELATED. Identifiers: Orphanet 298, MedGen C3150914, MONDO:0013350, OMIM 613662.
Mitochondrial DNA depletion syndrome 1. Also called: Mitochondrial DNA Depletion Syndrome, MNGIE Form; Mitochondrial DNA depletion syndrome 1 (MNGIE type); Mitochondrial Neurogastrointestinal Encephalopathy Disease; MITOCHONDRIAL NEUROGASTROINTESTINAL ENCEPHALOPATHY SYNDROME, TYMP-RELATED; MNGIE, TYMP-RELATED; Mitochondrial neurogastrointestinal encephalomyopathy syndrome. Identifiers: Orphanet 298, MedGen C4551995, MONDO:0011283, OMIM 603041.
Inborn genetic diseases. Identifiers: MedGen C0950123, MeSH D030342.

Allele frequency attached by ClinVar (database versions not stated): gnomAD 0.00001; gnomAD exomes 0.00001; ExAC 0.00002; TOPMed 0.00002.
gnomAD v4.1: 23 of 1,613,988 alleles (0.0014%); highest among the groups gnomAD compares: Non-Finnish European, 0.0017%; no homozygotes.

Submissions (9):

Labcorp Genetics (formerly Invitae), Labcorp
Classification: Uncertain significance for Progressive sclerosing poliodystrophy. Last evaluated: 2025-11-25. Review status: criteria provided, single submitter. Criteria: Invitae Variant Classification Sherloc (09022015). Collection method: clinical testing. Allele origin: germline.
Comment: This sequence change replaces glycine, which is neutral and non-polar, with serine, which is neutral and polar, at codon 1169 of the POLG protein (p.Gly1169Ser). This variant is present in population databases (rs753864625, gnomAD 0.002%). This missense change has been observed in individual(s) with Charcot-Marie-Tooth (PMID: 38871447). ClinVar contains an entry for this variant (Variation ID: 206568). Invitae Evidence Modeling of protein sequence and biophysical properties (such as structural, functional, and spatial information, amino acid conservation, physicochemical variation, residue mobility, and thermodynamic stability) indicates that this missense variant is expected to disrupt POLG protein function with a positive predictive value of 95%. In summary, the available evidence is currently insufficient to determine the role of this variant in disease. Therefore, it has been classified as a Variant of Uncertain Significance.

Ambry Genetics
Classification: Uncertain significance for Inborn genetic diseases. Last evaluated: 2025-11-24. Review status: criteria provided, single submitter. Criteria: Ambry Variant Classification Scheme 2023. Collection method: clinical testing. Allele origin: germline.
Comment: The c.3505G>A (p.G1169S) alteration is located in exon 22 (coding exon 21) of the POLG gene. This alteration results from a G to A substitution at nucleotide position 3505, causing the glycine (G) at amino acid position 1169 to be replaced by a serine (S). Based on data from gnomAD, the A allele has an overall frequency of 0.001% (2/251480) total alleles studied. The highest observed frequency was 0.002% (2/113758) of European (non-Finnish) alleles. Based on insufficient or conflicting evidence, the clinical significance of this alteration remains unclear.

Mayo Clinic Laboratories, Mayo Clinic
Classification: Uncertain significance. Last evaluated: 2025-09-10. Review status: criteria provided, single submitter. Criteria: ACMG Guidelines, 2015. Collection method: clinical testing. Allele origin: germline. Observed: 2 variant alleles.
Comment: PP3_moderate, PM2_supporting

PreventionGenetics, part of Exact Sciences
Classification: Uncertain significance for POLG-related condition. Last evaluated: 2025-04-29. Review status: criteria provided, single submitter. Criteria: ACMG Guidelines, 2015. Collection method: clinical testing. Allele origin: germline.
Comment: The POLG c.3505G>A variant is predicted to result in the amino acid substitution p.Gly1169Ser. To our knowledge, this variant has not been reported in the literature. This variant is reported in 0.0018% of alleles in individuals of European (Non-Finnish) descent in gnomAD. At this time, the clinical significance of this variant is uncertain due to the absence of conclusive functional and genetic evidence.

Blueprint Genetics
Classification: Uncertain significance. Last evaluated: 2021-02-25. Review status: criteria provided, single submitter. Criteria: ACMG Guidelines, 2015. Collection method: clinical testing. Allele origin: germline.

GeneDx
Classification: Uncertain significance. Last evaluated: 2019-02-15. Review status: criteria provided, single submitter. Criteria: GeneDx Variant Classification Process June 2021. Collection method: clinical testing. Allele origin: germline. Affected: yes.
Comment: Not observed at a significant frequency in large population cohorts (Lek et al., 2016); In silico analysis, which includes protein predictors and evolutionary conservation, supports a deleterious effect; Has not been previously published as pathogenic or benign to our knowledge

Fulgent Genetics
Classification: Uncertain significance for Progressive external ophthalmoplegia with mitochondrial DNA deletions, autosomal dominant 1; Progressive sclerosing poliodystrophy; Progressive external ophthalmoplegia with mitochondrial DNA deletions, autosomal recessive 1; Mitochondrial DNA depletion syndrome 1; Sensory ataxic neuropathy, dysarthria, and ophthalmoparesis; Mitochondrial DNA depletion syndrome 4b. Last evaluated: 2018-10-31. Review status: criteria provided, single submitter. Criteria: ACMG Guidelines, 2015. Collection method: clinical testing. Allele origin: unknown.

CeGaT Center for Human Genetics Tuebingen
Classification: Uncertain significance. Last evaluated: 2016-11-01. Review status: criteria provided, single submitter. Criteria: CeGaT Center For Human Genetics Tuebingen Variant Classification Criteria Version 2. Collection method: clinical testing. Allele origin: germline. Affected: yes. Observed: 1 variant allele.

Genomics England Pilot Project, Genomics England
Classification: Likely pathogenic for Progressive sclerosing poliodystrophy. Review status: no assertion criteria provided. Criteria: ACGS Guidelines, 2016. Collection method: clinical testing. Allele origin: germline. Affected: yes. Not counted in ClinVar's aggregate classification.

Literature cited by the submitters: PubMed 38871447 (cited by Labcorp Genetics (formerly Invitae), Labcorp); PubMed 34758253 (cited by Mayo Clinic Laboratories, Mayo Clinic).